The following is an entry in ClinVar:

ClinVar aggregate classification (germline): Likely benign (1 of 4 stars; one submission).

gnomAD v4.1: 4 of 1,610,334 alleles (0.00025%); highest among the groups gnomAD compares: Non-Finnish European, 0.00034%; no homozygotes.

Submission:

CeGaT Center for Human Genetics Tuebingen
Classification: Likely benign. Last evaluated: 2023-02-01. Review status: criteria provided, single submitter. Criteria: CeGaT Center For Human Genetics Tuebingen Variant Classification Criteria Version 2. Collection method: clinical testing. Allele origin: germline. Affected: yes. Observed: 1 variant allele.
Comment: ADGRL1: PM2:Supporting, BP4, BP7

NM_014921.5(ADGRL1):c.1890C>G (p.Ser630=)

Genes: ADGRL1 (adhesion G protein-coupled receptor L1; minus strand), ADGRL1-AS1 (ADGRL1 antisense RNA 1; plus strand). Cytogenetic location: 19p13.12.
Variant type: single nucleotide variant.
Coding change: c.1890C>G on transcript NM_014921.5 (MANE Select); coding-DNA position 1890, C replaced by G.
Protein change: p.Ser630=; no amino-acid change (serine 630 retained).
Molecular consequence: synonymous variant.
Genome position (GRCh38, 1-based): chr19:14,159,534, G>C on the plus strand (C>G on the coding strand, the complement: ADGRL1 is on the minus strand). VCF-style: chr19-14159534-G-C. GRCh37 (hg19) VCF-style: chr19-14270346-G-C.
Other names: c.1905C>G, p.Ser635= (NM_001008701.3).
Identifiers: ClinVar variation 2649416 (VCV002649416.24), dbSNP rs2512851175, ClinGen allele CA505795535.
Genomic context (GRCh38, chr19:14,159,534, plus strand): 5'-CAGGACGTCGAGGAGCATGGTGGCCGTGTGCACCTGCTCCGTGGCATTCATGTCCTTCCA[G>C]GACTCCAGAGCTTCTGGCCGGAGCAGATTGTCCACTGTCTCCACCACGGCCTGCACAGGC-3'
Protein context (NP_055736.2, residues 620-640): DNLLRPEALE[Ser630=]WKDMNATEQV